The following is an entry in ClinVar:

NM_000642.3(AGL):c.261A>G (p.Gln87=)

Gene: AGL (amylo-alpha-1,6-glucosidase and 4-alpha-glucanotransferase; plus strand). Cytogenetic location: 1p21.2.
Variant type: single nucleotide variant.
Coding change: c.261A>G on transcript NM_000642.3 (MANE Select); coding-DNA position 261, A replaced by G.
Protein change: p.Gln87=; no amino-acid change (glutamine 87 retained).
Molecular consequence: synonymous variant.
Genome position (GRCh38, 1-based): chr1:99,861,681, A>G. VCF-style: chr1-99861681-A-G. GRCh37 (hg19) VCF-style: chr1-100327237-A-G.
Other names: c.261A>G, p.Gln87= (NM_000028.3, NM_000643.3, NM_000644.3 and 5 more transcripts); c.213A>G, p.Gln71= (NM_000646.3).
Identifiers: ClinVar variation 390684 (VCV000390684.16), dbSNP rs370304606, ClinGen allele CA966100.

ClinVar aggregate classification (germline): Likely benign. Review status: criteria provided, multiple submitters, no conflicts (2 of 4 stars). 6 submissions from 6 submitters: Likely benign (4). 2 of the submissions do not count toward it. Last evaluated 2026-01-23.

Conditions:
Glycogen storage disease type III (GSD3). Also called: Cori disease; FORBES DISEASE. Identifiers: Orphanet 366, MedGen C0017922, MONDO:0009291, OMIM 232400.
AGL-related disorder. Also called: AGL-related condition.

Allele frequency attached by ClinVar (database versions not stated): ExAC 0.00002; gnomAD exomes 0.00002 and 0.00004; gnomAD 0.00004 and 0.00005; TOPMed 0.00005; ESP Exome Variant Server 0.00015.
gnomAD v4.1: 67 of 1,613,604 alleles (0.0042%); highest among the groups gnomAD compares: Non-Finnish European, 0.0053%; no homozygotes.

Submissions (6):

Labcorp Genetics (formerly Invitae), Labcorp
Classification: Likely benign for Glycogen storage disease type III. Last evaluated: 2026-01-23. Review status: criteria provided, single submitter. Criteria: Invitae Variant Classification Sherloc (09022015). Collection method: clinical testing. Allele origin: germline.

Blueprint Genetics
Classification: Likely benign. Last evaluated: 2023-05-15. Review status: criteria provided, single submitter. Criteria: ACMG Guidelines, 2015. Collection method: clinical testing. Allele origin: germline.

Genome-Nilou Lab
Classification: Likely benign for Glycogen storage disease type III. Last evaluated: 2021-07-15. Review status: criteria provided, single submitter. Criteria: ACMG Guidelines, 2015. Collection method: clinical testing. Allele origin: germline. Affected: no.

GeneDx
Classification: Likely benign. Last evaluated: 2016-11-01. Review status: criteria provided, single submitter. Criteria: GeneDx Variant Classification (06012015). Collection method: clinical testing. Allele origin: germline. Affected: yes.
Comment: This variant is considered likely benign or benign based on one or more of the following criteria: it is a conservative change, it occurs at a poorly conserved position in the protein, it is predicted to be benign by multiple in silico algorithms, and/or has population frequency not consistent with disease.

PreventionGenetics, part of Exact Sciences
Classification: Likely benign for AGL-related condition. Last evaluated: 2023-10-11. Review status: no assertion criteria provided. Collection method: clinical testing. Allele origin: germline. Not counted in ClinVar's aggregate classification.
Comment: This variant is classified as likely benign based on ACMG/AMP sequence variant interpretation guidelines (Richards et al. 2015 PMID: 25741868, with internal and published modifications).

Natera, Inc.
Classification: Uncertain significance for Glycogen storage disease type III. Last evaluated: 2020-01-17. Review status: no assertion criteria provided. Collection method: clinical testing. Allele origin: germline. Not counted in ClinVar's aggregate classification.